The following is an entry in ClinVar:

ClinVar aggregate classification (germline): Likely benign. Review status: criteria provided, multiple submitters, no conflicts (2 of 4 stars). 2 submissions from 2 submitters: Likely benign (2). Last evaluated 2018-01-12.

Conditions:
Tremor, hereditary essential, 1 (ETM1). Also called: Familial essential tremor. Identifiers: MedGen C1860861, MONDO:0008590, OMIM 190300.

Allele frequency attached by ClinVar (database versions not stated): 1000 Genomes Project 0.02416; 1000 Genomes Project 30x 0.02498; TOPMed 0.04295; gnomAD 0.04485 and 0.04511.

Submissions (2):

Illumina Laboratory Services, Illumina
Classification: Likely benign for Tremor, hereditary essential, 1. Last evaluated: 2018-01-12. Review status: criteria provided, single submitter. Criteria: ICSL Variant Classification Criteria 13 December 2019. Collection method: clinical testing. Allele origin: germline.
Comment: This variant was observed in the ICSL laboratory as part of a predisposition screen in an ostensibly healthy population. It had not been previously curated by ICSL or reported in the Human Gene Mutation Database (HGMD: prior to June 1st, 2018), and was therefore a candidate for classification through an automated scoring system. Utilizing variant allele frequency, disease prevalence and penetrance estimates, and inheritance mode, an automated score was calculated to assess if this variant is too frequent to cause the disease. Based on the score and internal cut-off values, a variant classified as likely benign is not then subjected to further curation. The score for this variant resulted in a classification of likely benign for this disease.

Breakthrough Genomics
Classification: Likely benign. Review status: criteria provided, single submitter. Criteria: ACMG Guidelines, 2015. Collection method: not provided. Allele origin: germline. Inheritance: Autosomal dominant inheritance. Affected: yes.

NM_000796.6(DRD3):c.-105G>A

Gene: DRD3 (dopamine receptor D3; minus strand). Cytogenetic location: 3q13.31.
Variant type: single nucleotide variant.
Coding change: c.-105G>A on transcript NM_000796.6 (MANE Select); 105 bases upstream of the start codon, G replaced by A.
Molecular consequence: 5 prime UTR variant.
Genome position (GRCh38, 1-based): chr3:114,178,726, C>T on the plus strand (G>A on the coding strand, the complement: DRD3 is on the minus strand). VCF-style: chr3-114178726-C-T. GRCh37 (hg19) VCF-style: chr3-113897573-C-T.
Other names: c.-105G>A (NM_001282563.2, NM_033663.6); c.-373G>A (NM_001290809.1).
Identifiers: ClinVar variation 342605 (VCV000342605.6), dbSNP rs36211802, ClinGen allele CA10614934.